The following is an entry in ClinVar:

ClinVar aggregate classification (germline): Uncertain significance. Review status: criteria provided, multiple submitters, no conflicts (2 of 4 stars). 3 submissions from 3 submitters: Uncertain significance (3). Last evaluated 2024-09-03.

Conditions:
Inborn genetic diseases. Identifiers: MedGen C0950123, MeSH D030342.

Allele frequency attached by ClinVar (database versions not stated): gnomAD exomes 0.00001 and 0.00003; ExAC 0.00002; gnomAD 0.00005; TOPMed 0.00008.
gnomAD v4.1: 28 of 1,614,032 alleles (0.0017%); highest among the groups gnomAD compares: African/African-American, 0.013%; no homozygotes.

Submissions (3):

Ambry Genetics
Classification: Uncertain significance for Inborn genetic diseases. Last evaluated: 2024-09-03. Review status: criteria provided, single submitter. Criteria: Ambry Variant Classification Scheme 2023. Collection method: clinical testing. Allele origin: germline.

GeneDx
Classification: Uncertain significance. Last evaluated: 2022-02-04. Review status: criteria provided, single submitter. Criteria: GeneDx Variant Classification Process June 2021. Collection method: clinical testing. Allele origin: germline. Affected: yes.
Comment: In silico analysis supports that this missense variant does not alter protein structure/function; Has not been previously published as pathogenic or benign to our knowledge

CeGaT Center for Human Genetics Tuebingen
Classification: Uncertain significance. Last evaluated: 2019-04-01. Review status: criteria provided, single submitter. Criteria: CeGaT Center For Human Genetics Tuebingen Variant Classification Criteria Version 2. Collection method: clinical testing. Allele origin: germline. Affected: yes. Observed: 1 variant allele.

NM_021939.4(FKBP10):c.595G>A (p.Gly199Ser)

Gene: FKBP10 (FKBP prolyl isomerase 10; plus strand). Cytogenetic location: 17q21.2.
Variant type: single nucleotide variant.
Coding change: c.595G>A on transcript NM_021939.4 (MANE Select); coding-DNA position 595, G replaced by A.
Protein change: p.Gly199Ser; replaces glycine 199 with serine.
Molecular consequence: missense variant.
Genome position (GRCh38, 1-based): chr17:41,818,395, G>A. VCF-style: chr17-41818395-G-A. GRCh37 (hg19) VCF-style: chr17-39974647-G-A.
Other names: short protein forms G199S.
Identifiers: ClinVar variation 808265 (VCV000808265.45), dbSNP rs763045650, ClinGen allele CA8566308.
Genomic context (GRCh38, chr17:41,818,395, plus strand): 5'-ATCCGGGGCCCAGCCTGCCTCTCCCACCTCCACCTCATTTTCTGCAGCTACAGTAAGGGC[G>A]GCACTTATGACACCTACGTCGGCTCTGGTTGGCTGATCAAGGGCATGGACCAGGGGCTGC-3'
Protein context (NP_068758.3, residues 189-209): TSFDTSYSKG[Gly199Ser]TYDTYVGSGW